The following is an entry in ClinVar:

ClinVar aggregate classification (germline): Conflicting classifications of pathogenicity. Review status: criteria provided, conflicting classifications (1 of 4 stars). 5 submissions from 5 submitters: Uncertain significance (3); Likely benign (2). Last evaluated 2025-06-09.

Conditions:
ADGRV1-related disorder. Also called: ADGRV1-related disorders; ADGRV1-related condition.

Allele frequency attached by ClinVar (database versions not stated): gnomAD exomes 0.00001 and 0.00007; gnomAD 0.00004 and 0.00005; TOPMed 0.00004; ExAC 0.00005; 1000 Genomes Project 30x 0.00016; 1000 Genomes Project 0.00020.
gnomAD v4.1: 23 of 1,612,554 alleles (0.0014%); highest among the groups gnomAD compares: East Asian, 0.047%; no homozygotes.

Submissions (5):

PreventionGenetics, part of Exact Sciences
Classification: Uncertain significance for ADGRV1-related condition. Last evaluated: 2025-06-09. Review status: criteria provided, single submitter. Criteria: ACMG Guidelines, 2015. Collection method: clinical testing. Allele origin: germline.
Comment: The ADGRV1 c.9269C>T variant is predicted to result in the amino acid substitution p.Thr3090Ile. This variant was reported in heterozygous state in an individual with Epilepsy (Table 1, Leng et al. 2022. PubMed ID: 36399868). This variant is reported in 0.11% of alleles in individuals of East Asian descent in gnomAD. Although we suspect that this variant may be benign, at this time, the clinical significance of this variant is uncertain due to the absence of conclusive functional and genetic evidence.

GeneDx
Classification: Uncertain significance. Last evaluated: 2024-12-02. Review status: criteria provided, single submitter. Criteria: GeneDx Variant Classification Process June 2021. Collection method: clinical testing. Allele origin: germline. Affected: yes.
Comment: In silico analysis supports that this missense variant has a deleterious effect on protein structure/function; Has not been previously published as pathogenic or benign in association with an ADGRV1-related disorder to our knowledge; This variant is associated with the following publications: (PMID: 36399868)

Women's Health and Genetics/Laboratory Corporation of America, LabCorp
Classification: Uncertain significance. Last evaluated: 2024-04-09. Review status: criteria provided, single submitter. Criteria: LabCorp Variant Classification Summary - May 2015. Collection method: clinical testing. Allele origin: germline.
Comment: Variant summary: ADGRV1 c.9269C>T (p.Thr3090Ile) results in a non-conservative amino acid change located in the Na-Ca exchanger/integrin-beta4 domain (IPR003644) of the encoded protein sequence. Three of five in-silico tools predict a damaging effect of the variant on protein function. The variant allele was found at a frequency of 7.2e-05 in 248530 control chromosomes. This frequency is not significantly higher than estimated for a pathogenic variant in ADGRV1 causing Usher Syndrome (7.2e-05 vs 0.0054), allowing no conclusion about variant significance. To our knowledge, no occurrence of c.9269C>T in individuals affected with Usher Syndrome and no experimental evidence demonstrating its impact on protein function have been reported. ClinVar contains an entry for this variant (Variation ID: 1387245). Based on the evidence outlined above, the variant was classified as uncertain significance.

Labcorp Genetics (formerly Invitae), Labcorp
Classification: Likely benign. Last evaluated: 2024-03-11. Review status: criteria provided, single submitter. Criteria: Invitae Variant Classification Sherloc (09022015). Collection method: clinical testing. Allele origin: germline.

Blueprint Genetics
Classification: Likely benign. Last evaluated: 2023-10-05. Review status: criteria provided, single submitter. Criteria: ACMG Guidelines, 2015. Collection method: clinical testing. Allele origin: germline.

NM_032119.4(ADGRV1):c.9269C>T (p.Thr3090Ile)

Gene: ADGRV1 (adhesion G protein-coupled receptor V1; plus strand). Cytogenetic location: 5q14.3.
Variant type: single nucleotide variant.
Coding change: c.9269C>T on transcript NM_032119.4 (MANE Select); coding-DNA position 9269, C replaced by T.
Protein change: p.Thr3090Ile; replaces threonine 3090 with isoleucine.
Molecular consequence: missense variant. On other transcripts: non-coding transcript variant (1).
Genome position (GRCh38, 1-based): chr5:90,716,551, C>T. VCF-style: chr5-90716551-C-T. GRCh37 (hg19) VCF-style: chr5-90012368-C-T.
Other names: c.9269C>T (NM_032119.3); short protein forms T3090I.
Identifiers: ClinVar variation 1387245 (VCV001387245.10), dbSNP rs565100245, ClinGen allele CA3340475.
Genomic context (GRCh38, chr5:90,716,551, plus strand): 5'-ATGACGGCCCTGGAGTTCTATCATTTAACAACAGTGAGCACTTTTTCCTAAGAGAGCCAA[C>T]AGCTCTCTACGTCCAGGAGAGTGTTGCAGTATTGTACATTGTTCGGGAACCTGCACAAGG-3'
Protein context (NP_115495.3, residues 3080-3100): NSEHFFLREP[Thr3090Ile]ALYVQESVAV